The following is an entry in ClinVar:

NM_001457.4(FLNB):c.379G>A (p.Val127Met)

Gene: FLNB (filamin B; plus strand). Cytogenetic location: 3p14.3.
Variant type: single nucleotide variant.
Coding change: c.379G>A on transcript NM_001457.4 (MANE Select); coding-DNA position 379, G replaced by A.
Protein change: p.Val127Met; replaces valine 127 with methionine.
Molecular consequence: missense variant.
Genome position (GRCh38, 1-based): chr3:58,077,132, G>A. VCF-style: chr3-58077132-G-A. GRCh37 (hg19) VCF-style: chr3-58062859-G-A.
Other names: c.379G>A, p.Val127Met (NM_001164317.2, NM_001164318.2, NM_001164319.2); c.379G>A (NM_001457.3); short protein forms V127M.
Identifiers: ClinVar variation 1408770 (VCV001408770.10), dbSNP rs764628343, ClinGen allele CA2467518.

ClinVar aggregate classification (germline): Uncertain significance. Review status: criteria provided, multiple submitters, no conflicts (2 of 4 stars). 3 submissions from 3 submitters: Uncertain significance (3). Last evaluated 2025-09-15.

Conditions:
Inborn genetic diseases. Identifiers: MedGen C0950123, MeSH D030342.

Allele frequency attached by ClinVar (database versions not stated): gnomAD exomes 0.00004; ExAC 0.00005.
gnomAD v4.1: 67 of 1,614,036 alleles (0.0042%); highest among the groups gnomAD compares: Non-Finnish European, 0.0052%; no homozygotes.

Submissions (3):

Labcorp Genetics (formerly Invitae), Labcorp
Classification: Uncertain significance. Last evaluated: 2025-09-15. Review status: criteria provided, single submitter. Criteria: Invitae Variant Classification Sherloc (09022015). Collection method: clinical testing. Allele origin: germline.
Comment: This sequence change replaces valine, which is neutral and non-polar, with methionine, which is neutral and non-polar, at codon 127 of the FLNB protein (p.Val127Met). This variant is present in population databases (rs764628343, gnomAD 0.008%). This variant has not been reported in the literature in individuals affected with FLNB-related conditions. ClinVar contains an entry for this variant (Variation ID: 1408770). Invitae Evidence Modeling of protein sequence and biophysical properties (such as structural, functional, and spatial information, amino acid conservation, physicochemical variation, residue mobility, and thermodynamic stability) indicates that this missense variant is not expected to disrupt FLNB protein function with a negative predictive value of 95%. In summary, the available evidence is currently insufficient to determine the role of this variant in disease. Therefore, it has been classified as a Variant of Uncertain Significance.

Ambry Genetics
Classification: Uncertain significance for Inborn genetic diseases. Last evaluated: 2024-01-16. Review status: criteria provided, single submitter. Criteria: Ambry Variant Classification Scheme 2023. Collection method: clinical testing. Allele origin: germline.

Blueprint Genetics
Classification: Uncertain significance. Last evaluated: 2023-05-03. Review status: criteria provided, single submitter. Criteria: ACMG Guidelines, 2015. Collection method: clinical testing. Allele origin: germline.